The following is an entry in ClinVar:

NM_000142.5(FGFR3):c.2380C>G (p.Leu794Val)

Gene: FGFR3 (fibroblast growth factor receptor 3; plus strand). Cytogenetic location: 4p16.3.
Variant type: single nucleotide variant.
Coding change: c.2380C>G on transcript NM_000142.5 (MANE Select); coding-DNA position 2380, C replaced by G.
Protein change: p.Leu794Val; replaces leucine 794 with valine.
Molecular consequence: missense variant. On other transcripts: non-coding transcript variant (1).
Genome position (GRCh38, 1-based): chr4:1,807,221, C>G. VCF-style: chr4-1807221-C-G. GRCh37 (hg19) VCF-style: chr4-1808948-C-G.
Other names: c.2386C>G, p.Leu796Val (NM_001163213.2); c.2383C>G, p.Leu795Val (NM_001354809.2); c.2312C>G, p.Ala771Gly (NM_001354810.2); c.2044C>G, p.Leu682Val (NM_022965.4); short protein forms A771G, L682V, L794V, L795V, L796V.
Identifiers: ClinVar variation 4857807 (VCV004857807.1).

ClinVar aggregate classification (germline): Uncertain significance (1 of 4 stars; one submission).

Conditions:
FGFR3-related chondrodysplasia. Identifiers: Orphanet 93420, MedGen C5681604, MONDO:0019685.

Submission:

Genomenon, Inc
Classification: Uncertain significance for FGFR3-related chondrodysplasia. Last evaluated: 2026-06-23. Review status: criteria provided, single submitter. Criteria: Genomenon Sequence Variant Interpretation Standards - Updated. Collection method: curation. Allele origin: germline. Affected: no.
Comment: FGFR3 p.Leu794Val (c.2380C>G) is a missense variant that changes the amino acid at codon 794 from Leucine to Valine. This variant has been reported in the published literature (PMID:30403900;35402233). It is absent or not present at a significant frequency in gnomAD. In conclusion, we classify FGFR3 p.Leu794Val (c.2380C>G) as a variant of uncertain significance.

Literature cited by the submitters: PubMed 30403900; PubMed 35402233.